The following is an entry in ClinVar:

NM_000179.3(MSH6):c.397_410del (p.Phe133fs)

Gene: MSH6 (mutS homolog 6; plus strand). Cytogenetic location: 2p16.3.
Variant type: Deletion.
Coding change: c.397_410del on transcript NM_000179.3 (MANE Select); coding-DNA positions 397 to 410, 14 bases deleted (TTTTTTGATGACAG).
Protein change: p.Phe133fs; shifts the reading frame from phenylalanine 133.
Molecular consequence: frameshift variant. On other transcripts: 5 prime UTR variant (2), intron variant (1).
Genome position (GRCh38, 1-based): chr2:47,791,063-47,791,076, TTTTTTGATGACAG deleted; deleting any 14 consecutive bases within chr2:47,791,059-47,791,076 gives the same sequence; the c. name uses the placement nearest the transcript's 3' end. VCF-style (leftmost placement, unchanged base first): chr2-47791058-TACAGTTTTTTGATG-T. GRCh37 (hg19) VCF-style: chr2-48018197-TACAGTTTTTTGATG-T.
Other names: c.-340_-327del (NM_001281493.2); c.-506_-493del (NM_001281494.2); c.238-7548_238-7535del (NM_001281492.2); c.397_410del14 (NM_000179.2); short protein forms F133fs.
Identifiers: ClinVar variation 185466 (VCV000185466.8), dbSNP rs786202193, ClinGen allele CA014928.

ClinVar aggregate classification (germline): Pathogenic. Review status: criteria provided, multiple submitters, no conflicts (2 of 4 stars). 3 submissions from 3 submitters: Pathogenic (3). Last evaluated 2023-08-10.

Conditions:
Hereditary cancer-predisposing syndrome. Also called: Hereditary neoplastic syndrome; Neoplastic Syndromes, Hereditary; Tumor predisposition; Hereditary Cancer Syndrome. Identifiers: Orphanet 140162, MedGen C0027672, MeSH D009386, MONDO:0015356.
Lynch syndrome 5 (LYNCH5). Also called: Hereditary non-polyposis colorectal cancer, type 5; Colorectal cancer, hereditary nonpolyposis, type 5. Identifiers: Orphanet 144, MedGen C1833477, MONDO:0013710, OMIM 614350. Disease mechanism: loss of function.
Endometrial carcinoma. Also called: Endometrial carcinoma, somatic. Identifiers: MedGen C0476089, MONDO:0002447, OMIM 608089, HP:0012114.

Submissions (3):

Myriad Genetics, Inc.
Classification: Pathogenic for Lynch syndrome 5. Last evaluated: 2023-08-10. Review status: criteria provided, single submitter. Criteria: Myriad Autosomal Dominant, Autosomal Recessive and X-Linked Classification Criteria (2023). Collection method: clinical testing. Allele origin: unknown.
Comment: This variant is considered pathogenic. This variant creates a frameshift predicted to result in premature protein truncation.

Ambry Genetics
Classification: Pathogenic for Hereditary cancer-predisposing syndrome. Last evaluated: 2023-01-20. Review status: criteria provided, single submitter. Criteria: Ambry Variant Classification Scheme 2023. Collection method: clinical testing. Allele origin: germline.
Comment: The c.397_410del14 pathogenic mutation, located in coding exon 2 of the MSH6 gene, results from a deletion of 14 nucleotides at nucleotide positions 397 to 410, causing a translational frameshift with a predicted alternate stop codon (p.F133Pfs*7). This variant is considered to be rare based on population cohorts in the Genome Aggregation Database (gnomAD). This alteration is expected to result in loss of function by premature protein truncation or nonsense-mediated mRNA decay. As such, this alteration is interpreted as a disease-causing mutation.

Baylor Genetics
Classification: Pathogenic for Endometrial carcinoma. Last evaluated: 2021-06-25. Review status: criteria provided, single submitter. Criteria: ACMG Guidelines, 2015. Collection method: clinical testing. Allele origin: unknown.